The following is an entry in ClinVar:

NM_012210.4(TRIM32):c.691del (p.Ala231fs)

Genes: ASTN2 (astrotactin 2; minus strand), TRIM32 (tripartite motif containing 32; plus strand). Cytogenetic location: 9q33.1.
Variant type: Deletion.
Coding change: c.691del on transcript NM_012210.4 (MANE Select); coding-DNA position 691, one base deleted (G; older notation c.691delG).
Protein change: p.Ala231fs; shifts the reading frame from alanine 231.
Molecular consequence: frameshift variant. On other transcripts: intron variant (3).
Genome position (GRCh38, 1-based): chr9:116,698,433, G deleted. VCF-style (leftmost placement, unchanged base first): chr9-116698432-TG-T. GRCh37 (hg19) VCF-style: chr9-119460711-TG-T.
Other names: c.691del, p.Ala231fs (NM_001099679.2, NM_001379048.1, NM_001379049.1 and 1 more transcripts); c.2653+27338del (NM_014010.5); c.2794+27338del (NM_001365069.1); c.2806+27338del (NM_001365068.1); short protein forms A231fs.
Identifiers: ClinVar variation 498076 (VCV000498076.14), dbSNP rs747685252, ClinGen allele CA5211024.

ClinVar aggregate classification (germline): Pathogenic/Likely pathogenic. Review status: criteria provided, multiple submitters, no conflicts (2 of 4 stars). 5 submissions from 5 submitters: Pathogenic (2); Likely pathogenic (3). Last evaluated 2024-06-04.

Conditions:
TRIM32-related disorder. Also called: TRIM32-related condition.
Limb-girdle muscular dystrophy (LGMD). Also called: Muscular Dystrophies, Limb-Girdle. Identifiers: Orphanet 263, MedGen C0686353, MeSH D049288, MONDO:0016971, HP:0006785.
Sarcotubular myopathy (LGMDR8). Also called: Limb-girdle muscular dystrophy, type 2H; Autosomal recessive limb-girdle muscular dystrophy type 2H; Hutterite type of muscular dystrophy; MUSCULAR DYSTROPHY, LIMB-GIRDLE, AUTOSOMAL RECESSIVE 8. Identifiers: Orphanet 1878, MedGen C0270968, MONDO:0009683, OMIM 254110.
Bardet-Biedl syndrome 11 (BBS11). Identifiers: Orphanet 110, MedGen C1859569, MONDO:0014439, OMIM 615988.
Bardet-Biedl syndrome (BBS). Identifiers: Orphanet 110, MedGen C0752166, MONDO:0015229.

Allele frequency attached by ClinVar (database versions not stated): TOPMed below 0.00001; gnomAD 0.00001; ExAC 0.00002; gnomAD exomes 0.00002 and 0.00003.

Submissions (5):

Fulgent Genetics
Classification: Likely pathogenic for Sarcotubular myopathy; Bardet-Biedl syndrome 11. Last evaluated: 2024-06-04. Review status: criteria provided, single submitter. Criteria: ACMG Guidelines, 2015. Collection method: clinical testing. Allele origin: germline.

Labcorp Genetics (formerly Invitae), Labcorp
Classification: Pathogenic for Bardet-Biedl syndrome. Last evaluated: 2023-12-07. Review status: criteria provided, single submitter. Criteria: Invitae Variant Classification Sherloc (09022015). Collection method: clinical testing. Allele origin: germline.
Comment: This sequence change creates a premature translational stop signal (p.Ala231Glnfs*21) in the TRIM32 gene. While this is not anticipated to result in nonsense mediated decay, it is expected to disrupt the last 423 amino acid(s) of the TRIM32 protein. This variant is present in population databases (rs747685252, gnomAD 0.004%). This premature translational stop signal has been observed in individual(s) with non-syndromic retinitis pigmentosa (PMID: 35055178). ClinVar contains an entry for this variant (Variation ID: 498076). This variant disrupts a region of the TRIM32 protein in which other variant(s) (p.Val591Met) have been determined to be pathogenic (PMID: 30823891). This suggests that this is a clinically significant region of the protein, and that variants that disrupt it are likely to be disease-causing. For these reasons, this variant has been classified as Pathogenic.

Blueprint Genetics
Classification: Likely pathogenic for TRIM32-related disorders. Last evaluated: 2022-08-30. Review status: criteria provided, single submitter. Criteria: ACMG Guidelines, 2015. Collection method: clinical testing. Allele origin: germline. Affected: yes. Observed: 4 variant alleles.

Laboratory for Molecular Medicine, Mass General Brigham Personalized Medicine
Classification: Likely pathogenic for Limb-girdle muscular dystrophy. Last evaluated: 2017-07-31. Review status: criteria provided, single submitter. Criteria: LMM Criteria. Collection method: clinical testing. Allele origin: germline. Inheritance: Autosomal recessive inheritance. Observed: 1 variant allele.
Comment: The p.Ala231GlnfsX21 (NM_012210.3 c.691delG) variant in TRIM32 has not been prev iously reported in the literature. It has been identified in 1/22,296 Finnish ch romosomes by the Genome Aggregation Database (rs747685252).This variant is predicted to cause a frameshift, which alters the p rotein?s amino acid sequence beginning at position 231 and leads to a premature termination codon 21 amino acids downstream. This alteration is then predicted t o lead to a truncated or absent protein. Biallelic loss of function of the TRIM3 2 gene has been associated with limb girdle muscular dystropy. In summary, altho ugh additional studies are required to fully establish a null effect on the prot ein, the p.Ala231GlnfsX21 variant is likely pathogenic for limb girdle muscular dystrophy in an autosomal recessive manner based on its predicted impact on the protein.

Eurofins Ntd Llc (ga)
Classification: Pathogenic. Last evaluated: 2016-10-21. Review status: criteria provided, single submitter. Criteria: EGL Classification Definitions 2015. Collection method: clinical testing. Allele origin: germline. Observed: 1 variant allele, 1 heterozygote.

Literature cited by the submitters: PubMed 35055178 (cited by Labcorp Genetics (formerly Invitae), Labcorp); PubMed 30823891 (cited by Labcorp Genetics (formerly Invitae), Labcorp).